The following is an entry in ClinVar:

NM_003072.5(SMARCA4):c.4769-7C>T

Gene: SMARCA4 (SWI/SNF related BAF chromatin remodeling complex subunit ATPase 4; plus strand). Cytogenetic location: 19p13.2.
Variant type: single nucleotide variant.
Coding change: c.4769-7C>T on transcript NM_003072.5 (MANE Select); 7 bases into the intron before coding-DNA position 4769, C replaced by T.
Molecular consequence: intron variant.
Genome position (GRCh38, 1-based): chr19:11,060,038, C>T. VCF-style: chr19-11060038-C-T. GRCh37 (hg19) VCF-style: chr19-11170714-C-T.
Other names: c.4769-7C>T (NM_001128844.3); c.4865-7C>T (NM_001128849.3); c.4670-7C>T (NM_001128847.4, NM_001374457.1); c.4679-7C>T (NM_001128845.2); c.4676-7C>T (NM_001128846.2); c.4667-7C>T (NM_001128848.2).
Identifiers: ClinVar variation 703441 (VCV000703441.13), dbSNP rs907366824, ClinGen allele CA631770007.
Genomic context (GRCh38, chr19:11,060,038, plus strand): 5'-GCCCCTTGCTGTGGGGGTGCTGCATTCCCAGAGCTCAAGGCTGTCTTTCCCTCCCGGTCC[C>T]CTCCAGCTCGGTCCGTCAAAGTGAAGATCAAGCTTGGCCGGAAGGAGAAGGCACAGGACC-3'

ClinVar aggregate classification (germline): Likely benign. Review status: criteria provided, multiple submitters, no conflicts (2 of 4 stars). 2 submissions from 2 submitters: Likely benign (2). Last evaluated 2026-07-08.

Conditions:
Rhabdoid tumor predisposition syndrome 2 (RTPS2). Identifiers: Orphanet 231108, Orphanet 69077, MedGen C2750074, MONDO:0013224, OMIM 613325.

Allele frequency attached by ClinVar (database versions not stated): TOPMed 0.00001.
gnomAD v4.1: 9 of 1,572,734 alleles (0.00057%); highest among the groups gnomAD compares: Admixed American, 0.0056%; no homozygotes.

Submissions (2):

Myriad Genetics, Inc.
Classification: Likely benign for Rhabdoid tumor predisposition syndrome 2. Last evaluated: 2026-07-08. Review status: criteria provided, single submitter. Criteria: Myriad Autosomal Dominant, Autosomal Recessive and X-Linked Classification Criteria (2023). Collection method: clinical testing. Allele origin: unknown.
Comment: This variant is considered likely benign. This variant is intronic and is not expected to impact mRNA splicing.

Labcorp Genetics (formerly Invitae), Labcorp
Classification: Likely benign for Rhabdoid tumor predisposition syndrome 2. Last evaluated: 2025-03-31. Review status: criteria provided, single submitter. Criteria: Invitae Variant Classification Sherloc (09022015). Collection method: clinical testing. Allele origin: germline.